The following is an entry in ClinVar:

ClinVar aggregate classification (germline): Uncertain significance (1 of 4 stars; one submission).

Conditions:
Epidermolysis bullosa simplex 5B, with muscular dystrophy (EBS5B). Also called: EPIDERMOLYSIS BULLOSA SIMPLEX AND LIMB-GIRDLE MUSCULAR DYSTROPHY; Epidermolysis bullosa simplex with muscular dystrophy. Identifiers: Orphanet 257, MedGen C2931072, MONDO:0009181, OMIM 226670.
Epidermolysis bullosa simplex, Ogna type (EBS5A). Also called: EPIDERMOLYSIS BULLOSA SIMPLEX 5A, OGNA TYPE; Pidermolysis bullosa simplex 5A, Ogna type. Identifiers: Orphanet 79401, MedGen C0432317, MONDO:0007555, OMIM 131950.
Epidermolysis bullosa simplex 5C, with pyloric atresia (EBS5C). Also called: Epidermolysis bullosa simplex with pyloric atresia; PLEC-Related Epidermolysis Bullosa with Pyloric Atresia; PLEC1-Related Epidermolysis Bullosa with Pyloric Atresia. Identifiers: Orphanet 158684, MedGen C2677349, MONDO:0012807, OMIM 612138.
Autosomal recessive limb-girdle muscular dystrophy type 2Q (LGMDR17). Also called: MUSCULAR DYSTROPHY, LIMB-GIRDLE, AUTOSOMAL RECESSIVE 17. Identifiers: Orphanet 254361, MedGen C3150989, MONDO:0013390, OMIM 613723.
Epidermolysis bullosa simplex with nail dystrophy (EBS5D). Identifiers: MedGen C4225309, MONDO:0014661, OMIM 616487.

Allele frequency attached by ClinVar (database versions not stated): gnomAD exomes below 0.00001; ExAC 0.00001; gnomAD 0.00001; TOPMed 0.00001.
gnomAD v4.1: 19 of 1,613,432 alleles (0.0012%); highest among the groups gnomAD compares: Non-Finnish European, 0.0016%; no homozygotes.

Submission:

Labcorp Genetics (formerly Invitae), Labcorp
Classification: Uncertain significance for Autosomal recessive limb-girdle muscular dystrophy type 2Q; Epidermolysis bullosa simplex, Ogna type; Epidermolysis bullosa simplex with nail dystrophy; Epidermolysis bullosa simplex 5C, with pyloric atresia; Epidermolysis bullosa simplex 5B, with muscular dystrophy. Last evaluated: 2021-08-26. Review status: criteria provided, single submitter. Criteria: Invitae Variant Classification Sherloc (09022015). Collection method: clinical testing. Allele origin: germline.
Comment: This sequence change replaces threonine with isoleucine at codon 3581 of the PLEC protein (p.Thr3581Ile). The threonine residue is moderately conserved and there is a moderate physicochemical difference between threonine and isoleucine. This variant is present in population databases (rs782017839, ExAC 0.002%). This variant has not been reported in the literature in individuals affected with PLEC-related conditions. Algorithms developed to predict the effect of missense changes on protein structure and function are either unavailable or do not agree on the potential impact of this missense change (SIFT: "Deleterious"; PolyPhen-2: "Probably Damaging"; Align-GVGD: "Class C0"). In summary, the available evidence is currently insufficient to determine the role of this variant in disease. Therefore, it has been classified as a Variant of Uncertain Significance.

NM_201384.3(PLEC):c.10661C>T (p.Thr3554Ile)

Gene: PLEC (plectin; minus strand). Cytogenetic location: 8q24.3.
Variant type: single nucleotide variant.
Coding change: c.10661C>T on transcript NM_201384.3 (MANE Select); coding-DNA position 10661, C replaced by T.
Protein change: p.Thr3554Ile; replaces threonine 3554 with isoleucine.
Molecular consequence: missense variant.
Genome position (GRCh38, 1-based): chr8:143,919,160, G>A on the plus strand (C>T on the coding strand, the complement: PLEC is on the minus strand). VCF-style: chr8-143919160-G-A. GRCh37 (hg19) VCF-style: chr8-144993328-G-A.
Other names: c.11072C>T, p.Thr3691Ile (NM_201380.4); c.10565C>T, p.Thr3522Ile (NM_201381.3); c.10661C>T, p.Thr3554Ile (NM_201382.4); c.10673C>T, p.Thr3558Ile (NM_201383.3); c.10742C>T, p.Thr3581Ile (NM_000445.5); c.10619C>T, p.Thr3540Ile (NM_201378.4); c.10595C>T, p.Thr3532Ile (NM_201379.3); short protein forms T3522I, T3532I, T3540I, T3554I, T3558I, T3581I, T3691I.
Identifiers: ClinVar variation 1009202 (VCV001009202.6), dbSNP rs782017839, ClinGen allele CA4924572.